The following is an entry in ClinVar:

ClinVar aggregate classification (germline): Likely benign (1 of 4 stars; one submission).

Submission:

CeGaT Center for Human Genetics Tuebingen
Classification: Likely benign. Last evaluated: 2026-09-01. Review status: criteria provided, single submitter. Criteria: CeGaT Center For Human Genetics Tuebingen Variant Classification Criteria Version 2. Collection method: clinical testing. Allele origin: germline. Affected: yes. Observed: 3 variant alleles.
Comment: TSC2: BP4, BP7

NM_000548.5(TSC2):c.336+33G>A

Gene: TSC2 (TSC complex subunit 2; plus strand). Cytogenetic location: 16p13.3.
Variant type: single nucleotide variant.
Coding change: c.336+33G>A on transcript NM_000548.5 (MANE Select); 33 bases into the intron after coding-DNA position 336, G replaced by A.
Molecular consequence: intron variant. On other transcripts: synonymous variant (3), 5 prime UTR variant (1).
Genome position (GRCh38, 1-based): chr16:2,053,485, G>A. VCF-style: chr16-2053485-G-A. GRCh37 (hg19) VCF-style: chr16-2103486-G-A.
Other names: c.-1-2711G>A (NM_001406685.1, NM_001318831.2, NM_001406688.1 and 3 more transcripts); c.189+33G>A (NM_001406675.1, NM_001406676.1, NM_001318829.2 and 1 more transcripts); c.369+33G>A (NM_001318832.2); c.369G>A, p.Thr123= (NM_001406667.1, NM_001406668.1); c.222G>A, p.Thr74= (NM_001406677.1); c.-1369G>A (NM_001406693.1); c.-481+33G>A (NM_001406680.1, NM_001406683.1, NM_001406687.1); c.-1096+33G>A (NM_001406689.1, NM_001406690.1, NM_001406692.1 and 2 more transcripts); and 6 more.
Identifiers: ClinVar variation 3898137 (VCV003898137.7).